The following is an entry in ClinVar:

NM_006231.4(POLE):c.3989C>A (p.Pro1330Gln)

Gene: POLE (DNA polymerase epsilon, catalytic subunit; minus strand). Cytogenetic location: 12q24.33.
Variant type: single nucleotide variant.
Coding change: c.3989C>A on transcript NM_006231.4 (MANE Select); coding-DNA position 3989, C replaced by A.
Protein change: p.Pro1330Gln; replaces proline 1330 with glutamine.
Molecular consequence: missense variant.
Genome position (GRCh38, 1-based): chr12:132,649,322, G>T on the plus strand (C>A on the coding strand, the complement: POLE is on the minus strand). VCF-style: chr12-132649322-G-T. GRCh37 (hg19) VCF-style: chr12-133225908-G-T.
Other names: short protein forms P1330Q.
Identifiers: ClinVar variation 3711686 (VCV003711686.2).

ClinVar aggregate classification (germline): Uncertain significance (1 of 4 stars; one submission).

Submission:

Labcorp Genetics (formerly Invitae), Labcorp
Classification: Uncertain significance. Last evaluated: 2025-04-29. Review status: criteria provided, single submitter. Criteria: Invitae Variant Classification Sherloc (09022015). Collection method: clinical testing. Allele origin: germline.
Comment: This sequence change replaces proline, which is neutral and non-polar, with glutamine, which is neutral and polar, at codon 1330 of the POLE protein (p.Pro1330Gln). This variant is not present in population databases (gnomAD no frequency). This variant has not been reported in the literature in individuals affected with POLE-related conditions. ClinVar contains an entry for this variant (Variation ID: 3711686). Invitae Evidence Modeling of protein sequence and biophysical properties (such as structural, functional, and spatial information, amino acid conservation, physicochemical variation, residue mobility, and thermodynamic stability) indicates that this missense variant is not expected to disrupt POLE protein function with a negative predictive value of 80%. In summary, the available evidence is currently insufficient to determine the role of this variant in disease. Therefore, it has been classified as a Variant of Uncertain Significance.